The following is an entry in ClinVar:

NM_001351132.2(PEX5):c.131C>T (p.Ala44Val)

Gene: PEX5 (peroxisomal biogenesis factor 5; plus strand). Cytogenetic location: 12p13.31.
Variant type: single nucleotide variant.
Coding change: c.131C>T on transcript NM_001351132.2 (MANE Select); coding-DNA position 131, C replaced by T.
Protein change: p.Ala44Val; replaces alanine 44 with valine.
Molecular consequence: missense variant.
Genome position (GRCh38, 1-based): chr12:7,190,508, C>T. VCF-style: chr12-7190508-C-T. GRCh37 (hg19) VCF-style: chr12-7343104-C-T.
Other names: c.131C>T, p.Ala44Val (NM_000319.5, NM_001131023.2, NM_001131024.2 and 22 more transcripts); short protein forms A44V.
Identifiers: ClinVar variation 1477746 (VCV001477746.8), dbSNP rs372992555, ClinGen allele CA383708173.

ClinVar aggregate classification (germline): Uncertain significance (1 of 4 stars; one submission).

Conditions:
Peroxisome biogenesis disorder 2B (PBD2B). Identifiers: Orphanet 44, MedGen C3550234, MONDO:0008736, OMIM 202370.

Submission:

Labcorp Genetics (formerly Invitae), Labcorp
Classification: Uncertain significance for Peroxisome biogenesis disorder 2B. Last evaluated: 2021-03-30. Review status: criteria provided, single submitter. Criteria: Invitae Variant Classification Sherloc (09022015). Collection method: clinical testing. Allele origin: germline.
Comment: In summary, the available evidence is currently insufficient to determine the role of this variant in disease. Therefore, it has been classified as a Variant of Uncertain Significance. Algorithms developed to predict the effect of missense changes on protein structure and function (SIFT, PolyPhen-2, Align-GVGD) all suggest that this variant is likely to be tolerated, but these predictions have not been confirmed by published functional studies and their clinical significance is uncertain. This sequence change replaces alanine with valine at codon 44 of the PEX5 protein (p.Ala44Val). The alanine residue is moderately conserved and there is a small physicochemical difference between alanine and valine. This variant is not present in population databases (ExAC no frequency). This variant has not been reported in the literature in individuals with PEX5-related conditions.